The following is an entry in ClinVar:

ClinVar aggregate classification (germline): Likely benign (0 of 4 stars; one submission).

Conditions:
POLG-related disorder. Also called: POLG-Related Spectrum Disorders; POLG-related condition; POLG-Related Disorders. Identifiers: MedGen C4763519.

Allele frequency attached by ClinVar (database versions not stated): TOPMed 0.00003.
gnomAD v4.1: 16 of 1,510,444 alleles (0.0011%); highest among the groups gnomAD compares: Non-Finnish European, 0.0013%; no homozygotes.

Submission:

PreventionGenetics, part of Exact Sciences
Classification: Likely benign for POLG-related condition. Last evaluated: 2021-08-02. Review status: no assertion criteria provided. Collection method: clinical testing. Allele origin: germline.
Comment: This variant is classified as likely benign based on ACMG/AMP sequence variant interpretation guidelines (Richards et al. 2015 PMID: 25741868, with internal and published modifications).

NM_002693.3(POLG):c.-72C>G

Gene: POLG (DNA polymerase gamma, catalytic subunit; minus strand). Cytogenetic location: 15q26.1.
Variant type: single nucleotide variant.
Coding change: c.-72C>G on transcript NM_002693.3 (MANE Select); 72 bases upstream of the start codon, C replaced by G.
Molecular consequence: 5 prime UTR variant.
Genome position (GRCh38, 1-based): chr15:89,333,826, G>C on the plus strand (C>G on the coding strand, the complement: POLG is on the minus strand). VCF-style: chr15-89333826-G-C. GRCh37 (hg19) VCF-style: chr15-89877057-G-C.
Other names: c.-72C>G (NM_001126131.2).
Identifiers: ClinVar variation 3029589 (VCV003029589.2), dbSNP rs972478430, ClinGen allele CA274566929.